The following is an entry in ClinVar:

NM_000540.3(RYR1):c.4250C>T (p.Ala1417Val)

Gene: RYR1 (ryanodine receptor 1; plus strand). Cytogenetic location: 19q13.2.
Variant type: single nucleotide variant.
Coding change: c.4250C>T on transcript NM_000540.3 (MANE Select); coding-DNA position 4250, C replaced by T.
Protein change: p.Ala1417Val; replaces alanine 1417 with valine.
Molecular consequence: missense variant.
Genome position (GRCh38, 1-based): chr19:38,475,407, C>T. VCF-style: chr19-38475407-C-T. GRCh37 (hg19) VCF-style: chr19-38966047-C-T.
Other names: c.4250C>T, p.Ala1417Val (NM_001042723.2); short protein forms A1417V.
Identifiers: ClinVar variation 968527 (VCV000968527.9), dbSNP rs779275405, ClinGen allele CA065742.

ClinVar aggregate classification (germline): Uncertain significance (1 of 4 stars; one submission).

Conditions:
RYR1-related disorder. Also called: RYR1-related disorders; RYR1-related condition. Identifiers: MedGen CN239331.

Allele frequency attached by ClinVar (database versions not stated): gnomAD 0.00001; TOPMed 0.00001; gnomAD exomes 0.00005; ExAC 0.00010.
gnomAD v4.1: 35 of 1,613,918 alleles (0.0022%); highest among the groups gnomAD compares: Non-Finnish European, 0.0019%; no homozygotes.

Submission:

Labcorp Genetics (formerly Invitae), Labcorp
Classification: Uncertain significance for RYR1-related disorder. Last evaluated: 2022-06-11. Review status: criteria provided, single submitter. Criteria: Invitae Variant Classification Sherloc (09022015). Collection method: clinical testing. Allele origin: germline.
Comment: In summary, the available evidence is currently insufficient to determine the role of this variant in disease. Therefore, it has been classified as a Variant of Uncertain Significance. Advanced modeling of protein sequence and biophysical properties (such as structural, functional, and spatial information, amino acid conservation, physicochemical variation, residue mobility, and thermodynamic stability) performed at Invitae indicates that this missense variant is not expected to disrupt RYR1 protein function. ClinVar contains an entry for this variant (Variation ID: 968527). This variant has not been reported in the literature in individuals affected with RYR1-related conditions. This variant is present in population databases (rs779275405, gnomAD 0.01%). This sequence change replaces alanine, which is neutral and non-polar, with valine, which is neutral and non-polar, at codon 1417 of the RYR1 protein (p.Ala1417Val).